The following is an entry in ClinVar:

NM_006005.3(WFS1):c.-127A>G

Genes: WFS1 (wolframin ER transmembrane glycoprotein; plus strand), LOC129992166 (ATAC-STARR-seq lymphoblastoid silent region 15229; plus strand). Cytogenetic location: 4p16.1.
Variant type: single nucleotide variant.
Coding change: c.-127A>G on transcript NM_006005.3 (MANE Select); 127 bases upstream of the start codon, A replaced by G.
Molecular consequence: 5 prime UTR variant.
Genome position (GRCh38, 1-based): chr4:6,269,893, A>G. VCF-style: chr4-6269893-A-G. GRCh37 (hg19) VCF-style: chr4-6271620-A-G.
Other names: c.-123A>G (NM_001145853.1).
Identifiers: ClinVar variation 907168 (VCV000907168.5), dbSNP rs542116747, ClinGen allele CA91777976.

ClinVar aggregate classification (germline): Conflicting classifications of pathogenicity. Review status: criteria provided, conflicting classifications (1 of 4 stars). 3 submissions from 2 submitters: Uncertain significance (1); Benign (1); Likely benign (1). Last evaluated 2018-01-13.

Conditions:
Wolfram syndrome 1 (WFS1). Identifiers: Orphanet 3463, MedGen C4551693, MONDO:0009101, OMIM 222300.
Autosomal dominant nonsyndromic hearing loss 6 (LFSNHL). Also called: DEAFNESS, AUTOSOMAL DOMINANT 6; DEAFNESS, AUTOSOMAL DOMINANT 14; DEAFNESS, AUTOSOMAL DOMINANT 38; Autosomal dominant nonsyndromic deafness 6; DIDMOAD (Diabetes Insipidus, Diabetes Mellitus, Optic Atrophy, and Deafness). Identifiers: Orphanet 90635, MedGen C1833021, MONDO:0010963, OMIM 600965.
WFS1-Related Spectrum Disorders.

Allele frequency attached by ClinVar (database versions not stated): 1000 Genomes Project 0.00120; TOPMed 0.00124; 1000 Genomes Project 30x 0.00141.

Submissions (3):

Illumina Laboratory Services, Illumina
Classification: Uncertain significance for WFS1-Related Spectrum Disorders. Last evaluated: 2018-01-13. Review status: criteria provided, single submitter. Criteria: ICSL Variant Classification Criteria 13 December 2019. Collection method: clinical testing. Allele origin: germline.

Illumina Laboratory Services, Illumina
Classification: Likely benign for Autosomal dominant nonsyndromic hearing loss 6. Last evaluated: 2018-01-13. Review status: criteria provided, single submitter. Criteria: ICSL Variant Classification Criteria 13 December 2019. Collection method: clinical testing. Allele origin: germline.
Comment: This variant was observed in the ICSL laboratory as part of a predisposition screen in an ostensibly healthy population. It had not been previously curated by ICSL or reported in the Human Gene Mutation Database (HGMD: prior to June 1st, 2018), and was therefore a candidate for classification through an automated scoring system. Utilizing variant allele frequency, disease prevalence and penetrance estimates, and inheritance mode, an automated score was calculated to assess if this variant is too frequent to cause the disease. Based on the score and internal cut-off values, a variant classified as likely benign is not then subjected to further curation. The score for this variant resulted in a classification of likely benign for this disease.

Clinical Genomics, Uppaluri K&H Personalized Medicine Clinic
Classification: Benign for Wolfram syndrome 1. Review status: criteria provided, single submitter. Criteria: K & H Uppaluri Personalized Medicine Clinic Variant Classification & Assertion Criteria_Updated V.1. Collection method: research. Allele origin: unknown. Inheritance: Autosomal recessive inheritance.
Comment: Potent mutations in WFS1 gene are associated with Wolfram's syndrome, an autosomal recessive condition, which cause diabetes mellitus, diabetes insipidus, deafness and optic atrophy. However no sufficient evidence is found to ascertain the role of this particular variant rs542116747 yet.

Literature cited by the submitters: PubMed 20738327 (cited by Clinical Genomics, Uppaluri K&H Personalized Medicine Clinic); PubMed 33879153 (cited by Clinical Genomics, Uppaluri K&H Personalized Medicine Clinic); PubMed 12955714 (cited by Clinical Genomics, Uppaluri K&H Personalized Medicine Clinic); PubMed 18060660 (cited by Clinical Genomics, Uppaluri K&H Personalized Medicine Clinic); PubMed 20301750 (cited by Clinical Genomics, Uppaluri K&H Personalized Medicine Clinic); PubMed 17603484 (cited by Clinical Genomics, Uppaluri K&H Personalized Medicine Clinic).